The following is an entry in ClinVar:

ClinVar aggregate classification (germline): Likely benign (0 of 4 stars; one submission).

Conditions:
SEMA3F-related disorder. Also called: SEMA3F-related condition.

Submission:

PreventionGenetics, part of Exact Sciences
Classification: Likely benign for SEMA3F-related condition. Last evaluated: 2024-09-11. Review status: no assertion criteria provided. Collection method: clinical testing. Allele origin: germline.
Comment: This variant is classified as likely benign based on ACMG/AMP sequence variant interpretation guidelines (Richards et al. 2015 PMID: 25741868, with internal and published modifications).

NM_004186.5(SEMA3F):c.-10C>T

Gene: SEMA3F (semaphorin 3F; plus strand). Cytogenetic location: 3p21.31.
Variant type: single nucleotide variant.
Coding change: c.-10C>T on transcript NM_004186.5 (MANE Select); 10 bases upstream of the start codon, C replaced by T.
Molecular consequence: 5 prime UTR variant. On other transcripts: intron variant (1).
Genome position (GRCh38, 1-based): chr3:50,159,613, C>T. VCF-style: chr3-50159613-C-T. GRCh37 (hg19) VCF-style: chr3-50197046-C-T.
Other names: c.-10C>T (NM_001318800.2); c.-135-79C>T (NM_001318798.2).
Identifiers: ClinVar variation 3353851 (VCV003353851.1).
Genomic context (GRCh38, chr3:50,159,613, plus strand): 5'-CAATCTTGGTTCCCCTTCCCAGGTTTCTAGAGAGTGGAGCCTGCTTCCTGGGCCCTAGGC[C>T]CCTCCCACAATGCTTGTCGCCGGTCTTCTTCTCTGGGCTTCCCTACTGACCGGGGCCTGG-3'